The following is an entry in ClinVar:

ClinVar aggregate classification (germline): Uncertain significance (1 of 4 stars; one submission).

Conditions:
Charcot-Marie-Tooth disease type 2. Also called: Charcot-Marie-Tooth type 2. Identifiers: Orphanet 64746, MedGen C0270914, MONDO:0018993.

Allele frequency attached by ClinVar (database versions not stated): gnomAD exomes below 0.00001.
gnomAD v4.1: 1 of 1,614,156 alleles (0.000062%); highest among the groups gnomAD compares: Non-Finnish European, 0.000085%; no homozygotes.

Submission:

Labcorp Genetics (formerly Invitae), Labcorp
Classification: Uncertain significance for Charcot-Marie-Tooth disease type 2. Last evaluated: 2024-02-24. Review status: criteria provided, single submitter. Criteria: Invitae Variant Classification Sherloc (09022015). Collection method: clinical testing. Allele origin: germline.
Comment: This sequence change affects codon 302 of the MED25 mRNA. It is a 'silent' change, meaning that it does not change the encoded amino acid sequence of the MED25 protein. It affects a nucleotide within the consensus splice site. This variant is present in population databases (no rsID available, gnomAD 0.0009%). This variant has not been reported in the literature in individuals affected with MED25-related conditions. ClinVar contains an entry for this variant (Variation ID: 1508939). Algorithms developed to predict the effect of sequence changes on RNA splicing suggest that this variant is not likely to affect RNA splicing. In summary, the available evidence is currently insufficient to determine the role of this variant in disease. Therefore, it has been classified as a Variant of Uncertain Significance.

NM_030973.4(MED25):c.906C>A (p.Arg302=)

Gene: MED25 (mediator complex subunit 25; plus strand). Cytogenetic location: 19q13.33.
Variant type: single nucleotide variant.
Coding change: c.906C>A on transcript NM_030973.4 (MANE Select); coding-DNA position 906, C replaced by A.
Protein change: p.Arg302=; no amino-acid change (arginine 302 retained).
Molecular consequence: synonymous variant.
Genome position (GRCh38, 1-based): chr19:49,830,597, C>A. VCF-style: chr19-49830597-C-A. GRCh37 (hg19) VCF-style: chr19-50333854-C-A.
Other names: c.906C>A, p.Arg302= (NM_001378355.1).
Identifiers: ClinVar variation 1508939 (VCV001508939.8), dbSNP rs1182901692, ClinGen allele CA508140981.